The following is an entry in ClinVar:

NM_007294.4(BRCA1):c.5179A>G (p.Lys1727Glu)

Gene: BRCA1 (BRCA1 DNA repair associated; minus strand). Cytogenetic location: 17q21.31.
Variant type: single nucleotide variant.
Coding change: c.5179A>G on transcript NM_007294.4 (MANE Select); coding-DNA position 5179, A replaced by G.
Protein change: p.Lys1727Glu; replaces lysine 1727 with glutamic acid.
Molecular consequence: missense variant. On other transcripts: non-coding transcript variant (1).
Genome position (GRCh38, 1-based): chr17:43,063,347, T>C on the plus strand (A>G on the coding strand, the complement: BRCA1 is on the minus strand). VCF-style: chr17-43063347-T-C. GRCh37 (hg19) VCF-style: chr17-41215364-T-C.
Other names: c.4966A>G, p.Lys1656Glu (NM_001407571.1, NM_001407900.1, NM_001407902.1 and 12 more transcripts); c.5245A>G, p.Lys1749Glu (NM_001407581.1, NM_001407582.1); c.5242A>G, p.Lys1748Glu (NM_001407583.1, NM_001407585.1, NM_001407587.1 and 1 more transcripts); c.5176A>G, p.Lys1726Glu (NM_001407610.1, NM_001407611.1, NM_001407612.1 and 17 more transcripts); c.5173A>G, p.Lys1725Glu (NM_001407629.1, NM_001407630.1, NM_001407631.1 and 14 more transcripts); c.5119A>G, p.Lys1707Glu (NM_001407649.1); c.5101A>G, p.Lys1701Glu (NM_001407652.1, NM_001407653.1, NM_001407654.1 and 1 more transcripts); c.5098A>G, p.Lys1700Glu (NM_001407656.1, NM_001407657.1, NM_001407658.1); and 72 more; short protein forms K1680E, K1748E, K623E, K1727E, K1431E, K1598E, K1600E, K1614E.
Identifiers: ClinVar variation 867444 (VCV000867444.4), dbSNP rs80357347, ClinGen allele CA10591186.

ClinVar aggregate classification (germline): Uncertain significance (0 of 4 stars; one submission).

Conditions:
BRCA1-related disorder. Also called: BRCA1-related condition.

Submissions (2):

PreventionGenetics, part of Exact Sciences
Classification: Uncertain significance for BRCA1-related condition. Last evaluated: 2024-07-18. Review status: no assertion criteria provided. Collection method: clinical testing. Allele origin: germline.
Comment: The BRCA1 c.5179A>G variant is predicted to result in the amino acid substitution p.Lys1727Glu. To our knowledge, this variant has not been reported in the literature or in gnomAD, indicating this variant is rare. This variant has no classification in ClinVar. At this time, the clinical significance of this variant is uncertain due to the absence of conclusive functional and genetic evidence.

Brotman Baty Institute, University of Washington
No classification provided (evidence only). Condition: Breast-ovarian cancer, familial 1. Review status: no classification provided. Collection method: in vitro. Allele origin: not applicable. Functional consequence: functionally_normal. Not counted in ClinVar's aggregate classification.
ClinVar note: "not provided" was previously submitted as the classification for the variant. However, the classification appeared to be based only on an observation of functional data so it was converted to no classification on 2025-07-30.